The following is an entry in ClinVar:

ClinVar aggregate classification (germline): Uncertain significance (1 of 4 stars; one submission).

Conditions:
Autosomal recessive limb-girdle muscular dystrophy type 2F (LGMDR6). Also called: Muscular dystrophy limb-girdle with delta-sarcoglyan deficiency; MUSCULAR DYSTROPHY, LIMB-GIRDLE, AUTOSOMAL RECESSIVE 6. Identifiers: Orphanet 219, MedGen C1832525, MONDO:0011028, OMIM 601287. Disease mechanism: Affects gamma-sarcoglycan and also disrupts the integrity of the entire sarcoglycan complex..

Submission:

Labcorp Genetics (formerly Invitae), Labcorp
Classification: Uncertain significance for Autosomal recessive limb-girdle muscular dystrophy type 2F. Last evaluated: 2022-08-15. Review status: criteria provided, single submitter. Criteria: Invitae Variant Classification Sherloc (09022015). Collection method: clinical testing. Allele origin: germline.
Comment: This sequence change replaces threonine, which is neutral and polar, with serine, which is neutral and polar, at codon 197 of the SGCD protein (p.Thr197Ser). This variant is not present in population databases (gnomAD no frequency). This variant has not been reported in the literature in individuals affected with SGCD-related conditions. ClinVar contains an entry for this variant (Variation ID: 1435673). Algorithms developed to predict the effect of missense changes on protein structure and function are either unavailable or do not agree on the potential impact of this missense change (SIFT: "Deleterious"; PolyPhen-2: "Probably Damaging"; Align-GVGD: "Class C0"). In summary, the available evidence is currently insufficient to determine the role of this variant in disease. Therefore, it has been classified as a Variant of Uncertain Significance.

NM_000337.6(SGCD):c.590C>G (p.Thr197Ser)

Gene: SGCD (sarcoglycan delta; plus strand). Cytogenetic location: 5q33.3.
Variant type: single nucleotide variant.
Coding change: c.590C>G on transcript NM_000337.6 (MANE Select); coding-DNA position 590, C replaced by G.
Protein change: p.Thr197Ser; replaces threonine 197 with serine.
Molecular consequence: missense variant.
Genome position (GRCh38, 1-based): chr5:156,757,595, C>G. VCF-style: chr5-156757595-C-G. GRCh37 (hg19) VCF-style: chr5-156184606-C-G.
Other names: c.587C>G, p.Thr196Ser (NM_001128209.2); c.590C>G, p.Thr197Ser (NM_172244.3); short protein forms T196S, T197S.
Identifiers: ClinVar variation 1435673 (VCV001435673.8), dbSNP rs1241850589, ClinGen allele CA362008353.